The following is an entry in ClinVar:

NM_005732.4(RAD50):c.3841_3857del (p.Glu1281fs)

Genes: RAD50 (RAD50 double strand break repair protein; plus strand), TH2LCRR (T helper type 2 locus control region associated RNA; minus strand). Cytogenetic location: 5q31.1.
Variant type: Deletion.
Coding change: c.3841_3857del on transcript NM_005732.4 (MANE Select); coding-DNA positions 3841 to 3857, 17 bases deleted (GAATATGTGGAGAAATT).
Protein change: p.Glu1281fs; shifts the reading frame from glutamic acid 1281.
Molecular consequence: frameshift variant. On other transcripts: non-coding transcript variant (1).
Genome position (GRCh38, 1-based): chr5:132,642,266-132,642,282, GAATATGTGGAGAAATT deleted; deleting any 17 consecutive bases within chr5:132,642,265-132,642,282 gives the same sequence; the c. name uses the placement nearest the transcript's 3' end. VCF-style (leftmost placement, unchanged base first): chr5-132642264-CTGAATATGTGGAGAAAT-C. GRCh37 (hg19) VCF-style: chr5-131977956-CTGAATATGTGGAGAAAT-C.
Other names: short protein forms E1281fs.
Identifiers: ClinVar variation 2034139 (VCV002034139.4), dbSNP rs2479440385, ClinGen allele CA2580072802.
Genomic context (GRCh38, chr5:132,642,264, plus strand): 5'-GTAACTTCCAGCTTCTGGTAATCACTCATGATGAAGATTTTGTGGAGCTTTTAGGACGTT[CTGAATATGTGGAGAAAT>C]TCTACAGGATTAAAAAGAACATCGATCAGTGCTCAGAGATTGTGAAATGCAGTGTTAGCT-3'

ClinVar aggregate classification (germline): Uncertain significance (1 of 4 stars; one submission).

Conditions:
Hereditary cancer-predisposing syndrome. Also called: Hereditary Cancer Syndrome; Neoplastic Syndromes, Hereditary; Hereditary neoplastic syndrome; Tumor predisposition. Identifiers: Orphanet 140162, MedGen C0027672, MeSH D009386, MONDO:0015356.

Submission:

Labcorp Genetics (formerly Invitae), Labcorp
Classification: Uncertain significance for Hereditary cancer-predisposing syndrome. Last evaluated: 2021-12-16. Review status: criteria provided, single submitter. Criteria: Invitae Variant Classification Sherloc (09022015). Collection method: clinical testing. Allele origin: germline.
Comment: This sequence change creates a premature translational stop signal (p.Glu1281Leufs*4) in the RAD50 gene. While this is not anticipated to result in nonsense mediated decay, it is expected to disrupt the last 32 amino acid(s) of the RAD50 protein. This variant is not present in population databases (gnomAD no frequency). This variant has not been reported in the literature in individuals affected with RAD50-related conditions. Experimental studies and prediction algorithms are not available or were not evaluated, and the functional significance of this variant is currently unknown. In summary, the available evidence is currently insufficient to determine the role of this variant in disease. Therefore, it has been classified as a Variant of Uncertain Significance.